The following is an entry in ClinVar:

NM_020320.5(RARS2):c.452-21A>G

Gene: RARS2 (arginyl-tRNA synthetase 2, mitochondrial; minus strand). Cytogenetic location: 6q15.
Variant type: single nucleotide variant.
Coding change: c.452-21A>G on transcript NM_020320.5 (MANE Select); 21 bases into the intron before coding-DNA position 452, A replaced by G.
Molecular consequence: intron variant.
Genome position (GRCh38, 1-based): chr6:87,545,720, T>C on the plus strand (A>G on the coding strand, the complement: RARS2 is on the minus strand). VCF-style: chr6-87545720-T-C. GRCh37 (hg19) VCF-style: chr6-88255438-T-C.
Other names: c.452-21A>G (NM_001350505.2); c.-74-21A>G (NM_001350509.2, NM_001318785.2, NM_001350506.2 and 4 more transcripts).
Identifiers: ClinVar variation 671595 (VCV000671595.4), dbSNP rs4707374, ClinGen allele CA3916626.
Genomic context (GRCh38, chr6:87,545,720, plus strand): 5'-TGATGTCCTAAAGCTTCTTTGAGATTTGCTATAAAATTTCCTAGTAATCAATAAAGTATA[T>C]AGTTTCTCATTCTTGTTATCCATTTTTTGACATAAGAACCATGTACTTCTCTATTATCAA-3'

ClinVar aggregate classification (germline): Benign. Review status: criteria provided, multiple submitters, no conflicts (2 of 4 stars). 2 submissions from 2 submitters: Benign (2). Last evaluated 2021-07-10.

Conditions:
Pontocerebellar hypoplasia type 6 (PCH6). Identifiers: Orphanet 166073, MedGen C1969084, MONDO:0012683, OMIM 611523.

Allele frequency attached by ClinVar (database versions not stated): gnomAD exomes 0.54771 and 0.57722; ExAC 0.57270; ESP Exome Variant Server 0.60671; gnomAD 0.60873 and 0.61261; TOPMed 0.62866; 1000 Genomes Project 0.63898; 1000 Genomes Project 30x 0.64975.
gnomAD v4.1: 890,413 of 1,607,206 alleles (55%); highest among the groups gnomAD compares: African/African-American, 75%; 250,242 homozygotes.

Submissions (2):

Genome-Nilou Lab
Classification: Benign for Pontocerebellar hypoplasia type 6. Last evaluated: 2021-07-10. Review status: criteria provided, single submitter. Criteria: ACMG Guidelines, 2015. Collection method: clinical testing. Allele origin: germline. Affected: no.

GeneDx
Classification: Benign. Last evaluated: 2018-06-18. Review status: criteria provided, single submitter. Criteria: GeneDx Variant Classification (06012015). Collection method: clinical testing. Allele origin: germline. Affected: yes.
Comment: This variant is considered likely benign or benign based on one or more of the following criteria: it is a conservative change, it occurs at a poorly conserved position in the protein, it is predicted to be benign by multiple in silico algorithms, and/or has population frequency not consistent with disease.